The following is an entry in ClinVar:

NM_014363.6(SACS):c.4933C>T (p.Arg1645Ter)

Gene: SACS (sacsin molecular chaperone; minus strand). Cytogenetic location: 13q12.12.
Variant type: single nucleotide variant.
Coding change: c.4933C>T on transcript NM_014363.6 (MANE Select); coding-DNA position 4933, C replaced by T.
Protein change: p.Arg1645Ter; replaces arginine 1645 with a stop codon.
Molecular consequence: nonsense.
Genome position (GRCh38, 1-based): chr13:23,338,943, G>A on the plus strand (C>T on the coding strand, the complement: SACS is on the minus strand). VCF-style: chr13-23338943-G-A. GRCh37 (hg19) VCF-style: chr13-23913082-G-A.
Other names: c.4492C>T, p.Arg1498Ter (NM_001278055.2); c.4933C>T (NM_014363.5); short protein forms R1498*, R1645*.
Identifiers: ClinVar variation 977804 (VCV000977804.19), dbSNP rs770901638, ClinGen allele CA6911321.

ClinVar aggregate classification (germline): Pathogenic. Review status: criteria provided, multiple submitters, no conflicts (2 of 4 stars). 6 submissions from 6 submitters: Pathogenic (5). 1 of the submissions does not count toward it. Last evaluated 2023-09-07.

Conditions:
Charlevoix-Saguenay spastic ataxia (SACS). Also called: SPASTIC ATAXIA 6, AUTOSOMAL RECESSIVE; Spastic ataxia of Charlevoix-Saguenay; AUTOSOMAL RECESSIVE SPASTIC ATAXIA OF CHARLEVOIX-SAGUENAY. Identifiers: Orphanet 98, MedGen C1849140, MONDO:0010041, OMIM 270550.
Spastic paraplegia. Identifiers: MedGen C0037772, HP:0001258.

Allele frequency attached by ClinVar (database versions not stated): gnomAD exomes below 0.00001 and 0.00001; TOPMed below 0.00001; ExAC 0.00001.
gnomAD v4.1: 9 of 1,613,688 alleles (0.00056%); highest among the groups gnomAD compares: Non-Finnish European, 0.00068%; no homozygotes.

Submissions (6):

Baylor Genetics
Classification: Pathogenic for Charlevoix-Saguenay spastic ataxia. Last evaluated: 2023-09-07. Review status: criteria provided, single submitter. Criteria: ACMG Guidelines, 2015. Collection method: clinical testing. Allele origin: unknown.

Labcorp Genetics (formerly Invitae), Labcorp
Classification: Pathogenic for Spastic paraplegia. Last evaluated: 2023-03-07. Review status: criteria provided, single submitter. Criteria: Invitae Variant Classification Sherloc (09022015). Collection method: clinical testing. Allele origin: germline.
Comment: This variant is not present in population databases (gnomAD no frequency). This premature translational stop signal has been observed in individuals with autosomal recessive spastic ataxia of Charlevoix–Saguenay (PMID: 26288984, 28972115). This variant is also known as c.4492C>T (p.Arg1498*). ClinVar contains an entry for this variant (Variation ID: 977804). This variant disrupts a region of the SACS protein in which other variant(s) (p.Tyr4538*) have been determined to be pathogenic (Invitae). This suggests that this is a clinically significant region of the protein, and that variants that disrupt it are likely to be disease-causing. For these reasons, this variant has been classified as Pathogenic. This sequence change creates a premature translational stop signal (p.Arg1645*) in the SACS gene. While this is not anticipated to result in nonsense mediated decay, it is expected to disrupt the last 2935 amino acid(s) of the SACS protein.

PROSPAX: an integrated multimodal progression  chart in spastic ataxias, Center for Neurology; Hertie-Institute for Clinical Brain Research
Classification: Pathogenic for Charlevoix-Saguenay spastic ataxia. Last evaluated: 2022-01-01. Review status: criteria provided, single submitter. Criteria: ACMG Guidelines, 2015. Collection method: research. Allele origin: germline. Affected: yes.
Comment: Variant seen in compound het: [c.4933C>T;c.888delT]

Genome-Nilou Lab
Classification: Pathogenic for Charlevoix-Saguenay spastic ataxia. Last evaluated: 2021-09-05. Review status: criteria provided, single submitter. Criteria: ACMG Guidelines, 2015. Collection method: clinical testing. Allele origin: germline. Affected: no.

Consultorio y Laboratorio de Neurogenética, Hospital JM Ramos Mejia
Classification: Pathogenic for Charlevoix-Saguenay spastic ataxia. Review status: criteria provided, single submitter. Criteria: CÃ³rdoba et al. (PLoS One. 2018). Collection method: clinical testing. Allele origin: unknown. Inheritance: Autosomal recessive inheritance. Affected: yes. Observed: 1 compound heterozygote.

Natera, Inc.
Classification: Pathogenic for Charlevoix-Saguenay type spastic ataxia. Last evaluated: 2020-08-10. Review status: no assertion criteria provided. Collection method: clinical testing. Allele origin: germline. Not counted in ClinVar's aggregate classification.

Literature cited by the submitters: PubMed 26288984 (cited by Labcorp Genetics (formerly Invitae), Labcorp); PubMed 28972115 (cited by Labcorp Genetics (formerly Invitae), Labcorp).